The following is an entry in ClinVar:

NM_182961.4(SYNE1):c.8618C>G (p.Ser2873Ter)

Genes: SYNE1 (spectrin repeat containing nuclear envelope protein 1; minus strand), LOC126859838 (CDK7 strongly-dependent group 2 enhancer GRCh37_chr6:152706655-152707854; plus strand). Cytogenetic location: 6q25.2.
Variant type: single nucleotide variant.
Coding change: c.8618C>G on transcript NM_182961.4 (MANE Select); coding-DNA position 8618, C replaced by G.
Protein change: p.Ser2873Ter; replaces serine 2873 with a stop codon.
Molecular consequence: nonsense.
Genome position (GRCh38, 1-based): chr6:152,385,708, G>C on the plus strand (C>G on the coding strand, the complement: SYNE1 is on the minus strand). VCF-style: chr6-152385708-G-C. GRCh37 (hg19) VCF-style: chr6-152706843-G-C.
Other names: c.8618C>G (NM_182961.2); c.8639C>G, p.Ser2880Ter (NM_033071.5); short protein forms S2880*, S2873*.
Identifiers: ClinVar variation 1705708 (VCV001705708.3), dbSNP rs1332414511, ClinGen allele CA366145355.

ClinVar aggregate classification (germline): Pathogenic. Review status: criteria provided, multiple submitters, no conflicts (2 of 4 stars). 3 submissions from 3 submitters: Pathogenic (3). Last evaluated 2024-07-26.

Conditions:
Autosomal recessive ataxia, Beauce type. Also called: ATAXIA, RECESSIVE, OF BEAUCE; Spinocerebellar ataxia, autosomal recessive 8; SYNE1 Deficiency; SYNE1-Related Autosomal Recessive Cerebellar Ataxia. Identifiers: Orphanet 88644, MedGen C1853116, MONDO:0012549, OMIM 610743.

Allele frequency attached by ClinVar (database versions not stated): gnomAD exomes below 0.00001; TOPMed below 0.00001; gnomAD 0.00001.
gnomAD v4.1: 3 of 1,614,010 alleles (0.00019%); highest among the groups gnomAD compares: Admixed American, 0.005%; no homozygotes.

Submissions (3):

Athena Diagnostics
Classification: Pathogenic. Last evaluated: 2024-07-26. Review status: criteria provided, single submitter. Criteria: Athena Diagnostics Criteria. Collection method: clinical testing. Allele origin: unknown.
Comment: This variant is expected to result in the loss of a functional protein. The frequency of this variant in the general population is consistent with pathogenicity. This variant has been identified in at least one individual with clinical features associated with cerebellar ataxia.

GeneDx
Classification: Pathogenic. Last evaluated: 2023-08-15. Review status: criteria provided, single submitter. Criteria: GeneDx Variant Classification Process June 2021. Collection method: clinical testing. Allele origin: germline. Affected: yes.
Comment: Nonsense variant predicted to result in protein truncation or nonsense mediated decay in a gene for which loss of function is a known mechanism of disease; Not observed at significant frequency in large population cohorts (gnomAD); Has not been previously published as pathogenic or benign to our knowledge

3billion
Classification: Pathogenic for Autosomal recessive ataxia, Beauce type. Last evaluated: 2022-09-01. Review status: criteria provided, single submitter. Criteria: ACMG Guidelines, 2015. Collection method: clinical testing. Allele origin: germline. Affected: yes. Observed: 1 homozygote.
Comment: The variant is observed at an extremely low frequency in the gnomAD v2.1.1 dataset (total allele frequency: <0.001%). Stop-gained (nonsense) is predicted to result in a loss or disruption of normal protein function through nonsense-mediated decay (NMD) or protein truncation. Multiple pathogenic variants are reported downstream of the variant. Therefore, this variant is classified as Pathogenic according to the recommendation of ACMG/AMP guideline.